The following is an entry in ClinVar:

NM_020631.6(PLEKHG5):c.1733C>A (p.Ser578Tyr)

Gene: PLEKHG5 (pleckstrin homology and RhoGEF domain containing G5; minus strand). Cytogenetic location: 1p36.31.
Variant type: single nucleotide variant.
Coding change: c.1733C>A on transcript NM_020631.6 (MANE Select); coding-DNA position 1733, C replaced by A.
Protein change: p.Ser578Tyr; replaces serine 578 with tyrosine.
Molecular consequence: missense variant.
Genome position (GRCh38, 1-based): chr1:6,470,303, G>T on the plus strand (C>A on the coding strand, the complement: PLEKHG5 is on the minus strand). VCF-style: chr1-6470303-G-T. GRCh37 (hg19) VCF-style: chr1-6530363-G-T.
Other names: c.1844C>A, p.Ser615Tyr (NM_001042663.3, NM_001265592.2); c.1733C>A, p.Ser578Tyr (NM_001042664.2, NM_001042665.2, NM_001265594.3 and 1 more transcripts); c.1940C>A, p.Ser647Tyr (NM_001265593.2); short protein forms S647Y, S615Y, S578Y.
Identifiers: ClinVar variation 5008714 (VCV005008714.1).

ClinVar aggregate classification (germline): Uncertain significance (1 of 4 stars; one submission).

Submission:

GeneDx
Classification: Uncertain significance. Last evaluated: 2026-03-12. Review status: criteria provided, single submitter. Criteria: GeneDx Variant Classification Process June 2021. Collection method: clinical testing. Allele origin: germline.
Comment: Not observed at significant frequency in large population cohorts (gnomAD); In silico analysis supports that this missense variant has a deleterious effect on protein structure/function; Has not been previously published as pathogenic or benign to our knowledge